The following is an entry in ClinVar:

NM_000059.4(BRCA2):c.6606T>A (p.Asp2202Glu)

Gene: BRCA2 (BRCA2 DNA repair associated; plus strand). Cytogenetic location: 13q13.1.
Variant type: single nucleotide variant.
Coding change: c.6606T>A on transcript NM_000059.4 (MANE Select); coding-DNA position 6606, T replaced by A.
Protein change: p.Asp2202Glu; replaces aspartic acid 2202 with glutamic acid.
Molecular consequence: missense variant. On other transcripts: non-coding transcript variant (1), intron variant (2).
Genome position (GRCh38, 1-based): chr13:32,340,961, T>A. VCF-style: chr13-32340961-T-A. GRCh37 (hg19) VCF-style: chr13-32915098-T-A.
Other names: c.6606T>A, p.Asp2202Glu (NM_001406719.1, NM_001406720.1); c.1910-3597T>A (NM_001406721.1); c.425-3597T>A (NM_001406722.1); short protein forms D2202E.
Identifiers: ClinVar variation 2771243 (VCV002771243.3), dbSNP rs960827657, ClinGen allele CA387790126.

ClinVar aggregate classification (germline): Uncertain significance (1 of 4 stars; one submission).

Conditions:
Hereditary breast ovarian cancer syndrome. Also called: Hereditary breast and ovarian cancer syndrome; Hereditary breast and ovarian cancer syndrome (HBOC); BRCA1- and BRCA2-Associated Hereditary Breast and Ovarian Cancer; Hereditary breast and ovarian cancer; Breast and ovarian cancer; Hereditary breast and/or ovarian cancer syndrome. Identifiers: Orphanet 145, MedGen C0677776, MeSH D061325, MONDO:0003582. Disease mechanism: loss of function.

Submission:

Labcorp Genetics (formerly Invitae), Labcorp
Classification: Uncertain significance for Hereditary breast ovarian cancer syndrome. Last evaluated: 2023-10-23. Review status: criteria provided, single submitter. Criteria: Invitae Variant Classification Sherloc (09022015). Collection method: clinical testing. Allele origin: germline.
Comment: This sequence change replaces aspartic acid, which is acidic and polar, with glutamic acid, which is acidic and polar, at codon 2202 of the BRCA2 protein (p.Asp2202Glu). This variant is not present in population databases (gnomAD no frequency). This variant has not been reported in the literature in individuals affected with BRCA2-related conditions. Advanced modeling of protein sequence and biophysical properties (such as structural, functional, and spatial information, amino acid conservation, physicochemical variation, residue mobility, and thermodynamic stability) performed at Invitae indicates that this missense variant is not expected to disrupt BRCA2 protein function. In summary, the available evidence is currently insufficient to determine the role of this variant in disease. Therefore, it has been classified as a Variant of Uncertain Significance.